The following is an entry in ClinVar:

NM_001267550.2(TTN):c.36405G>A (p.Val12135=)

Gene: TTN (titin; minus strand). Cytogenetic location: 2q31.2.
Variant type: single nucleotide variant.
Coding change: c.36405G>A on transcript NM_001267550.2 (MANE Select); coding-DNA position 36405, G replaced by A.
Protein change: p.Val12135=; no amino-acid change (valine 12135 retained).
Molecular consequence: synonymous variant. On other transcripts: intron variant (5).
Genome position (GRCh38, 1-based): chr2:178,663,862, C>T on the plus strand (G>A on the coding strand, the complement: TTN is on the minus strand). VCF-style: chr2-178663862-C-T. GRCh37 (hg19) VCF-style: chr2-179528589-C-T.
Other names: c.13283-21545G>A (NM_003319.4); c.13859-21545G>A (NM_133437.4); c.13658-21545G>A (NM_133432.3); c.31484-807G>A (NM_133378.4); c.34265-807G>A (NM_001256850.1).
Identifiers: ClinVar variation 413176 (VCV000413176.59), dbSNP rs373815877, ClinGen allele CA1997497.
Genomic context (GRCh38, chr2:178,663,862, plus strand): 5'-AGGTCAGTGGCAACTACCTTTAACAGGTGGGACTTCAGGCTCTTTAGGAGGAGCCAAGGG[C>T]ACTTTCTCTTCGCGGATAACCTCTTTGGAAGCTTCTGGCACTTGAAAGATATTAGTGAAA-3'
Protein context (NP_001254479.2, residues 12125-12145): ASKEVIREEK[Val12135=]PLAPPKEPEV

ClinVar aggregate classification (germline): Likely benign. Review status: criteria provided, multiple submitters, no conflicts (2 of 4 stars). 3 submissions from 3 submitters: Likely benign (3). Last evaluated 2026-02-01.

Conditions:
Autosomal recessive limb-girdle muscular dystrophy type 2J (LGMDR10). Also called: MUSCULAR DYSTROPHY, LIMB-GIRDLE, AUTOSOMAL RECESSIVE 10; Limb-girdle muscular dystrophy, type 2J. Identifiers: Orphanet 140922, MedGen C1837342, MONDO:0012127, OMIM 608807.
Dilated cardiomyopathy 1G (CMD1G). Identifiers: Orphanet 154, MedGen C1858763, MONDO:0011400, OMIM 604145.

Allele frequency attached by ClinVar (database versions not stated): gnomAD exomes 0.00008 and 0.00017; ExAC 0.00013; gnomAD 0.00013; TOPMed 0.00018; ESP Exome Variant Server 0.00052.
gnomAD v4.1: 141 of 1,613,264 alleles (0.0087%); highest among the groups gnomAD compares: Non-Finnish European, 0.0016%; no homozygotes.

Submissions (3):

Labcorp Genetics (formerly Invitae), Labcorp
Classification: Likely benign for Dilated cardiomyopathy 1G; Autosomal recessive limb-girdle muscular dystrophy type 2J. Last evaluated: 2026-02-01. Review status: criteria provided, single submitter. Criteria: Invitae Variant Classification Sherloc (09022015). Collection method: clinical testing. Allele origin: germline.

CeGaT Center for Human Genetics Tuebingen
Classification: Likely benign. Last evaluated: 2025-10-01. Review status: criteria provided, single submitter. Criteria: CeGaT Center For Human Genetics Tuebingen Variant Classification Criteria Version 2. Collection method: clinical testing. Allele origin: germline. Affected: yes. Observed: 10 variant alleles.
Comment: TTN: BP4, BP7

ARUP Laboratories, Molecular Genetics and Genomics, ARUP Laboratories
Classification: Likely benign. Last evaluated: 2020-03-06. Review status: criteria provided, single submitter. Criteria: ARUP Molecular Germline Variant Investigation Process. Collection method: clinical testing. Allele origin: germline.